The following continues an entry in ClinVar:

NM_000441.2(SLC26A4):c.626G>T (p.Gly209Val)

Gene: SLC26A4. ClinVar aggregate classification (germline): Pathogenic/Likely pathogenic. Pathogenic (22); Likely pathogenic (2).

Submissions 16 to 26 of 26:

GeneDx
Classification: Pathogenic. Last evaluated: 2021-08-04. Review status: criteria provided, single submitter. Criteria: GeneDx Variant Classification Process June 2021. Collection method: clinical testing. Allele origin: germline. Affected: yes.
Comment: Published functional studies demonstrate a damaging effect on iodide transport (Taylor et al., 2002); In silico analysis supports that this missense variant has a deleterious effect on protein structure/function; Observed multiple times with a different pathogenic variant in unrelated patients with features of Pendred syndrome in published literature, but it is not known whether the variants occurred on the same (in cis) or on different (in trans) chromosomes in some cases (Campbell et al., 2001; Blons et al., 2004; Albert et al., 2006; Choi et al., 2009; Ladsous et al., 2014; Soh et al., 2015; Cengiz et al., 2017; Roman et al., 2020); This variant is associated with the following publications: (PMID: 31971949, 31589614, 31980526, 24224479, 14679580, 11932316, 10190331, 10700480, 15355436, 19204907, 10861298, 25741868, 27771369, 25394566, 28964290, 18285825, 11317356, 9618166, 19509082, 16570074, 15689455, 16283880, 32853555, 26969326, 20301640)

Molecular Diagnostics Lab, Nemours Children's Health, Delaware
Classification: Likely pathogenic for Pendred syndrome. Last evaluated: 2020-05-14. Review status: criteria provided, single submitter. Criteria: ACMG Guidelines, 2015. Collection method: clinical testing. Allele origin: unknown. Inheritance: Autosomal recessive inheritance. Affected: yes. Observed: 1 variant allele.

Cambridge Genomics Laboratory, East Genomic Laboratory Hub, NHS Genomic Medicine Service
Classification: Pathogenic for Hearing impairment. Last evaluated: 2020-02-01. Review status: criteria provided, single submitter. Criteria: ACGS Best Practice Guidelines for Variant Classification in Rare Disease 2020. Collection method: clinical testing. Allele origin: germline. Affected: yes. Observed: 1 variant allele.

Myriad Genetics, Inc.
Classification: Pathogenic for Pendred syndrome. Last evaluated: 2019-12-20. Review status: criteria provided, single submitter. Criteria: Myriad Women's Health Autosomal Recessive and X-Linked Classification Criteria (2019). Collection method: clinical testing. Allele origin: unknown.
Comment: NM_000441.1(SLC26A4):c.626G>T(G209V) is classified as pathogenic in the context of Pendred syndrome. Sources cited for classification include the following: 11932316, 24224479, 15689455, 19509082, 17503324, 9618166, 16570074, 16283880, 18285825 and 10190331. Classification of NM_000441.1(SLC26A4):c.626G>T(G209V) is based on the following criteria: This is a well-established pathogenic variant in the literature that has been observed more frequently in patients with clinical diagnoses than in healthy populations. Please note: this variant was assessed in the context of healthy population screening.

Cambridge Genomics Laboratory, East Genomic Laboratory Hub, NHS Genomic Medicine Service
Classification: Likely pathogenic for Ear malformation. Last evaluated: 2019-09-24. Review status: criteria provided, single submitter. Criteria: ACGS Best Practice Guidelines for Variant Classification in Rare Disease 2020. Collection method: clinical testing. Allele origin: germline. Affected: yes. Observed: 1 variant allele.

Illumina Laboratory Services, Illumina
Classification: Pathogenic for SLC26A4-Related Disorders. Last evaluated: 2018-10-23. Review status: criteria provided, single submitter. Criteria: ICSL Variant Classification Criteria 09 May 2019. Collection method: clinical testing. Allele origin: germline.
Comment: The SLC26A4 c.626G>T (p.Gly209Val) missense variant has been reported in at least eight studies in related and unrelated probands, including one in a homozygous state and 17 in a compound heterozygous state (Van Hauwe et al. 1998; Campbell et al. 2001; Taylor et al. 2002; Pryor et al. 2005; Pera et al. 2008; Ladsous et al. 2014; Soh et al. 2015; Sloan-Heggen et al. 2016). Pera et al. (2008) described two affected siblings who were compound heterozygous for the p.Gly209Val variant and another variant, while their unaffected parents were identified as carriers. The p.Gly209Val variant was absent from 314 controls, but is reported at a frequency of 0.00070 in the European American population of the Exome Sequencing Project. In HeLa cells, the p.Gly209Val variant showed normal cellular localization, but reduced iodide efflux compared to wildtype (Taylor et al. 2002). Based on the collective evidence, this variant is classified as pathogenic for SLC26A4-related disorders. This variant was observed by ICSL as part of a predisposition screen in an ostensibly healthy population.

Eurofins Ntd Llc (ga)
Classification: Pathogenic. Last evaluated: 2017-10-02. Review status: criteria provided, single submitter. Criteria: EGL Classification Definitions 2015. Collection method: clinical testing. Allele origin: germline. Observed: 2 variant alleles, 2 heterozygotes.

Laboratory for Molecular Medicine, Mass General Brigham Personalized Medicine
Classification: Pathogenic for Rare genetic deafness. Last evaluated: 2017-05-11. Review status: criteria provided, single submitter. Criteria: LMM Criteria. Collection method: clinical testing. Allele origin: germline. Inheritance: Autosomal recessive inheritance. Observed: 28 variant alleles.
Comment: The p.Gly209Val variant in SLC26A4 has been reported in at least 15 individuals with hearing loss and EVA (DFNB4) or Pendred syndrome (Van Hauwe 1998, Usami 199 9, Campbell 2001, Pryor 2005, Albert 2006, Pera 2008, LMM data). Many affected i ndividuals were homozygous or compound heterozygous. This variant has been ident ified in 75/126676 European chromosomes by the Genome Aggregation Database (gnom AD; dbSNP rs111033303); however, its frequency is low enough to be consistent with a recessive carrier frequency for Pendred s yndrome or nonsyndromic hearing loss. In summary, this variant meets criteria to be classified as pathogenic for autosomal recessive DFNB4 or Pendred syndrome b ased on the previously reported biallelic occurrence in multiple affected indivi duals, association with specific clinical features, and a low frequency in the g eneral population. ACMG/AMP Criteria applied: PM3_Strong, PS4, PP4.

UNC Molecular Genetics  Laboratory, University of North Carolina at Chapel Hill
Classification: Pathogenic for Enlarged vestibular aqueduct. Review status: criteria provided, single submitter. Criteria: ACMG Guidelines, 2015. Collection method: research. Allele origin: paternal. Affected: yes. Observed: 1 variant allele. Study: NSIGHT-NC NEXUS.
Comment: The SLC26A4 c.626G>T (p.G209V) variant has been previously reported in multiple individuals with Pendred syndrome or DFNB4 nonsyndromic hearing loss. This variant is predicted to change an amino acid that is well-conserved across species (PMID: 10190331; 9618166; 11317356; 11932316; 16570074; 24224479; 26969326; 18285825; 15689455; 15355436).

PreventionGenetics, part of Exact Sciences
Classification: Pathogenic for SLC26A4-related condition. Last evaluated: 2024-06-04. Review status: no assertion criteria provided. Collection method: clinical testing. Allele origin: germline. Not counted in ClinVar's aggregate classification.
Comment: The SLC26A4 c.626G>T variant is predicted to result in the amino acid substitution p.Gly209Val. This variant has been reported to be causative for Pendred syndrome (Van Hauwe et al. 1998. PubMed ID: 9618166; Ladsous et al. 2014. PubMed ID: 24224479; Albert et al. 2006. PubMed ID: 16570074; Choi et al. 2009. PubMed ID: 19204907). This variant is reported in 0.058% of alleles in individuals of European (Non-Finnish) descent in gnomAD. This variant is interpreted as pathogenic.

OMIM
Classification: Pathogenic for DEAFNESS, AUTOSOMAL RECESSIVE 4, WITH ENLARGED VESTIBULAR AQUEDUCT. Last evaluated: 1999-02-01. Review status: no assertion criteria provided. Collection method: literature only. Allele origin: germline. Not counted in ClinVar's aggregate classification.

Literature cited by the submitters: PubMed 9618166 (cited by 5 submitters); PubMed 11317356 (cited by 6 submitters); PubMed 11932316 (cited by 5 submitters); PubMed 16570074 (cited by 5 submitters); PubMed 19204907 (cited by 3 submitters); PubMed 19509082 (cited by Labcorp Genetics (formerly Invitae), Labcorp and Myriad Genetics, Inc.); PubMed 21366435 (cited by Labcorp Genetics (formerly Invitae), Labcorp); PubMed 24224479 (cited by 5 submitters); PubMed 25394566 (cited by Labcorp Genetics (formerly Invitae), Labcorp and Illumina Laboratory Services, Illumina); PubMed 26969326 (cited by 3 submitters); PubMed 19017801 (cited by Victorian Clinical Genetics Services, Murdoch Childrens Research Institute); PubMed 10190331 (cited by 6 submitters); PubMed 16283880 (cited by Women's Health and Genetics/Laboratory Corporation of America, LabCorp and Myriad Genetics, Inc.); PubMed 28964290 (cited by Molecular Diagnostics Lab, Nemours Children's Health, Delaware); PubMed 1920407 (cited by Molecular Diagnostics Lab, Nemours Children's Health, Delaware); PubMed 15689455 (cited by 4 submitters); PubMed 17503324 (cited by Myriad Genetics, Inc.); PubMed 18285825 (cited by 4 submitters); PubMed 14679580 (cited by Laboratory for Molecular Medicine, Mass General Brigham Personalized Medicine); PubMed 20301640 (cited by UNC Molecular Genetics  Laboratory, University of North Carolina at Chapel Hill); PubMed 15355436 (cited by UNC Molecular Genetics  Laboratory, University of North Carolina at Chapel Hill).